The following is an entry in ClinVar:

ClinVar aggregate classification (germline): Uncertain significance (1 of 4 stars; one submission).

Allele frequency attached by ClinVar (database versions not stated): ExAC 0.00001; gnomAD 0.00001; TOPMed 0.00002.
gnomAD v4.1: 19 of 1,613,418 alleles (0.0012%); highest among the groups gnomAD compares: East Asian, 0.0022%; no homozygotes.

Submission:

CeGaT Center for Human Genetics Tuebingen
Classification: Uncertain significance. Last evaluated: 2024-02-01. Review status: criteria provided, single submitter. Criteria: CeGaT Center For Human Genetics Tuebingen Variant Classification Criteria Version 2. Collection method: clinical testing. Allele origin: germline. Affected: yes. Observed: 1 variant allele.
Comment: MLPH: PM2, BP4

NM_024101.7(MLPH):c.850A>G (p.Arg284Gly)

Gene: MLPH (melanophilin; plus strand). Cytogenetic location: 2q37.3.
Variant type: single nucleotide variant.
Coding change: c.850A>G on transcript NM_024101.7 (MANE Select); coding-DNA position 850, A replaced by G.
Protein change: p.Arg284Gly; replaces arginine 284 with glycine.
Molecular consequence: missense variant. On other transcripts: non-coding transcript variant (1), intron variant (1).
Genome position (GRCh38, 1-based): chr2:237,525,775, A>G. VCF-style: chr2-237525775-A-G. GRCh37 (hg19) VCF-style: chr2-238434418-A-G.
Other names: c.850A>G, p.Arg284Gly (NM_001042467.3); c.730A>G, p.Arg244Gly (NM_001281473.2); c.675+5746A>G (NM_001281474.2); short protein forms R244G, R284G.
Identifiers: ClinVar variation 3026490 (VCV003026490.22), dbSNP rs754596293, ClinGen allele CA2190355.
Genomic context (GRCh38, chr2:237,525,775, plus strand): 5'-AGCATCTCACCTTCCAGACACGGCGCCCTGGCTGAGCTCTGCCCGCCTGGAGGCTCCCAC[A>G]GGATGGCCCTGGGGACTGCTGCTGCACTCGGTAGGTGCCCTTGGCCAGGGTCTTCCTGAT-3'
Protein context (NP_077006.1, residues 274-294): AELCPPGGSH[Arg284Gly]MALGTAAALG